The following is an entry in ClinVar:

NM_001353345.2(SETD1B):c.731C>A (p.Thr244Asn)

Gene: SETD1B (SET domain containing 1B, histone lysine methyltransferase; plus strand). Cytogenetic location: 12q24.31.
Variant type: single nucleotide variant.
Coding change: c.731C>A on transcript NM_001353345.2 (MANE Select); coding-DNA position 731, C replaced by A.
Protein change: p.Thr244Asn; replaces threonine 244 with asparagine.
Molecular consequence: missense variant.
Genome position (GRCh38, 1-based): chr12:121,809,676, C>A. VCF-style: chr12-121809676-C-A. GRCh37 (hg19) VCF-style: chr12-122247582-C-A.
Other names: short protein forms T244N.
Identifiers: ClinVar variation 1321010 (VCV001321010.2), dbSNP rs1220942444, ClinGen allele CA386989916.
Genomic context (GRCh38, chr12:121,809,676, plus strand): 5'-TGAAGCGCCTCAAGGATGGAGGCCTGTCTGCAGGCTGTGGCTCCGGCTCCTCCTCTGTCA[C>A]CCCCAATAGCGGTGGGACACCCTTCTCCCAGGACACAGCTTATTCCAGCTGCCGCCTGGA-3'
Protein context (NP_001340274.1, residues 234-254): AGCGSGSSSV[Thr244Asn]PNSGGTPFSQ

ClinVar aggregate classification (germline): Uncertain significance (1 of 4 stars; one submission).

gnomAD v4.1: 3 of 1,551,614 alleles (0.00019%); highest among the groups gnomAD compares: South Asian, 0.0012%; no homozygotes.

Submission:

GeneDx
Classification: Uncertain significance. Last evaluated: 2019-07-16. Review status: criteria provided, single submitter. Criteria: GeneDx Variant Classification Process June 2021. Collection method: clinical testing. Allele origin: germline. Affected: yes.
Comment: Not observed in large population cohorts (Lek et al., 2016); In silico analysis, which includes protein predictors and evolutionary conservation, supports a deleterious effect; Has not been previously published as pathogenic or benign to our knowledge